The following is an entry in ClinVar:

ClinVar aggregate classification (germline): Uncertain significance. Review status: criteria provided, multiple submitters, no conflicts (2 of 4 stars). 2 submissions from 2 submitters: Uncertain significance (2). Last evaluated 2024-10-02.

Conditions:
Hyperaldosteronism, familial, type IV (HALD4). Also called: FH IV; ALDOSTERONISM, PRIMARY, AND HYPERTENSION. Identifiers: Orphanet 642671, MedGen C4310756, MONDO:0014875, OMIM 617027.
Idiopathic generalized epilepsy. Also called: Generalised epilepsy; EIG. Identifiers: MedGen C0270850, MONDO:0005579, OMIM 600669.

gnomAD v4.1: 3 of 1,611,020 alleles (0.00019%); highest among the groups gnomAD compares: Non-Finnish European, 0.00025%; no homozygotes.

Submissions (2):

MVZ Medizinische Genetik Mainz
Classification: Uncertain significance for Hyperaldosteronism, familial, type IV. Last evaluated: 2024-10-02. Review status: criteria provided, single submitter. Criteria: UK Practice Guidelines For Variant Classification V4 01 2020. Collection method: clinical testing. Allele origin: germline. Inheritance: Autosomal dominant inheritance. Affected: yes. Observed: 1 variant allele.
Comment: ACMG Criteria: PP3_STR,PM2_SUP

Labcorp Genetics (formerly Invitae), Labcorp
Classification: Uncertain significance for Idiopathic generalized epilepsy; Hyperaldosteronism, familial, type IV. Last evaluated: 2024-04-05. Review status: criteria provided, single submitter. Criteria: Invitae Variant Classification Sherloc (09022015). Collection method: clinical testing. Allele origin: germline.
Comment: This sequence change replaces tyrosine, which is neutral and polar, with cysteine, which is neutral and slightly polar, at codon 1639 of the CACNA1H protein (p.Tyr1639Cys). This variant is not present in population databases (gnomAD no frequency). This variant has not been reported in the literature in individuals affected with CACNA1H-related conditions. Advanced modeling of protein sequence and biophysical properties (such as structural, functional, and spatial information, amino acid conservation, physicochemical variation, residue mobility, and thermodynamic stability) performed at Invitae indicates that this missense variant is expected to disrupt CACNA1H protein function with a positive predictive value of 80%. In summary, the available evidence is currently insufficient to determine the role of this variant in disease. Therefore, it has been classified as a Variant of Uncertain Significance.

NM_021098.3(CACNA1H):c.4916A>G (p.Tyr1639Cys)

Gene: CACNA1H (calcium voltage-gated channel subunit alpha1 H; plus strand). Cytogenetic location: 16p13.3.
Variant type: single nucleotide variant.
Coding change: c.4916A>G on transcript NM_021098.3 (MANE Select); coding-DNA position 4916, A replaced by G.
Protein change: p.Tyr1639Cys; replaces tyrosine 1639 with cysteine.
Molecular consequence: missense variant.
Genome position (GRCh38, 1-based): chr16:1,213,918, A>G. VCF-style: chr16-1213918-A-G. GRCh37 (hg19) VCF-style: chr16-1263918-A-G.
Other names: c.4898A>G, p.Tyr1633Cys (NM_001005407.2); short protein forms Y1633C, Y1639C.
Identifiers: ClinVar variation 3370343 (VCV003370343.3).